The following is an entry in ClinVar:

ClinVar aggregate classification (germline): Likely benign. Review status: criteria provided, single submitter (1 of 4 stars). 2 submissions from 2 submitters: Likely benign (1). 1 of the submissions does not count toward it. Last evaluated 2023-03-23.

Conditions:
CACNA1F-related disorder. Also called: CACNA1F-related condition.

Allele frequency attached by ClinVar (database versions not stated): gnomAD exomes 0.00002; ExAC 0.00010.
gnomAD v4.1: 24 of 1,196,850 alleles (0.002%); highest among the groups gnomAD compares: South Asian, 0.043%; no homozygotes.

Submissions (2):

Labcorp Genetics (formerly Invitae), Labcorp
Classification: Likely benign. Last evaluated: 2023-03-23. Review status: criteria provided, single submitter. Criteria: Invitae Variant Classification Sherloc (09022015). Collection method: clinical testing. Allele origin: germline.

PreventionGenetics, part of Exact Sciences
Classification: Likely benign for CACNA1F-related condition. Last evaluated: 2019-07-01. Review status: no assertion criteria provided. Collection method: clinical testing. Allele origin: germline. Not counted in ClinVar's aggregate classification.
Comment: This variant is classified as likely benign based on ACMG/AMP sequence variant interpretation guidelines (Richards et al. 2015 PMID: 25741868, with internal and published modifications).

NM_001256789.3(CACNA1F):c.2674-7A>G

Gene: CACNA1F (calcium voltage-gated channel subunit alpha1 F; minus strand). Cytogenetic location: Xp11.23.
Variant type: single nucleotide variant.
Coding change: c.2674-7A>G on transcript NM_001256789.3 (MANE Select); 7 bases into the intron before coding-DNA position 2674, A replaced by G.
Molecular consequence: intron variant.
Genome position (GRCh38, 1-based): chrX:49,218,948, T>C on the plus strand (A>G on the coding strand, the complement: CACNA1F is on the minus strand). VCF-style: chrX-49218948-T-C. GRCh37 (hg19) VCF-style: chrX-49075407-T-C.
Other names: c.2707-7A>G (NM_005183.4, NM_005183.3); c.2512-7A>G (NM_001256790.3).
Identifiers: ClinVar variation 1925898 (VCV001925898.7), dbSNP rs782328554, ClinGen allele CA10410617.